The following is an entry in ClinVar:

NM_018294.6(CWF19L1):c.467del (p.Pro156fs)

Gene: CWF19L1 (CWF19 like cell cycle control factor 1; minus strand). Cytogenetic location: 10q24.31.
Variant type: Deletion.
Coding change: c.467del on transcript NM_018294.6 (MANE Select); coding-DNA position 467, one base deleted (C; older notation c.467delC).
Protein change: p.Pro156fs; shifts the reading frame from proline 156.
Molecular consequence: frameshift variant. On other transcripts: intron variant (1).
Genome position (GRCh38, 1-based): chr10:100,256,299, G deleted on the plus strand (C on the coding strand, the reverse complement: CWF19L1 is on the minus strand); the first of 4 consecutive G bases (chr10:100,256,299-100,256,302); deleting any one gives the same sequence. VCF-style (leftmost placement, unchanged base first): chr10-100256298-TG-T. GRCh37 (hg19) VCF-style: chr10-102016055-TG-T.
Other names: c.467del, p.Pro156fs (NM_001303404.2); c.56del, p.Pro19fs (NM_001303405.2, NM_001303406.2); c.-231-2760del (NM_001303407.2); short protein forms P156fs, P19fs.
Identifiers: ClinVar variation 253212 (VCV000253212.35), dbSNP rs879255654, ClinGen allele CA10586240.

ClinVar aggregate classification (germline): Pathogenic/Likely pathogenic. Review status: criteria provided, multiple submitters, no conflicts (2 of 4 stars). 4 submissions from 4 submitters: Pathogenic (2); Likely pathogenic (1). 1 of the submissions does not count toward it. Last evaluated 2023-07-01.

Conditions:
Autosomal recessive spinocerebellar ataxia 17. Identifiers: OMIM 616127, Orphanet 453521, MedGen C4015301, MONDO:0014503.

Submissions (4):

CeGaT Center for Human Genetics Tuebingen
Classification: Pathogenic. Last evaluated: 2023-07-01. Review status: criteria provided, single submitter. Criteria: CeGaT Center For Human Genetics Tuebingen Variant Classification Criteria Version 2. Collection method: clinical testing. Allele origin: germline. Affected: yes. Observed: 3 variant alleles.
Comment: CWF19L1: PVS1, PM2, PM3

3billion
Classification: Pathogenic for Autosomal recessive spinocerebellar ataxia 17. Last evaluated: 2022-03-22. Review status: criteria provided, single submitter. Criteria: ACMG Guidelines, 2015. Collection method: clinical testing. Allele origin: germline. Affected: yes. Observed: 1 homozygote.
Comment: Frameshift: predicted to result in a loss or disruption of normal protein function through nonsense-mediated decay (NMD) or protein truncation. Multiple pathogenic variants are reported downstream of the variant. This variant has been reported as pathogenic (ClinVar ID: VCV000253212, PMID:27016154), It is not observed in the gnomAD v2.1.1 dataset. Therefore, this variant is classified as pathogenic according to the recommendation of ACMG/AMP guideline.

Institute of Medical Genetics and Applied Genomics, University Hospital Tübingen
Classification: Likely pathogenic. Last evaluated: 2020-10-23. Review status: criteria provided, single submitter. Criteria: ACMG Guidelines, 2015. Collection method: clinical testing. Allele origin: germline. Inheritance: Autosomal recessive inheritance. Affected: yes.

OMIM
Classification: Pathogenic for SPINOCEREBELLAR ATAXIA, AUTOSOMAL RECESSIVE 17. Last evaluated: 2016-08-24. Review status: no assertion criteria provided. Collection method: literature only. Allele origin: germline. Not counted in ClinVar's aggregate classification.

Literature cited by the submitters: PubMed 27016154 (cited by 3billion and OMIM).